The following is an entry in ClinVar:

NM_000018.4(ACADVL):c.437T>G (p.Val146Gly)

Gene: ACADVL (acyl-CoA dehydrogenase very long chain; plus strand). Cytogenetic location: 17p13.1.
Variant type: single nucleotide variant.
Coding change: c.437T>G on transcript NM_000018.4 (MANE Select); coding-DNA position 437, T replaced by G.
Protein change: p.Val146Gly; replaces valine 146 with glycine.
Molecular consequence: missense variant.
Genome position (GRCh38, 1-based): chr17:7,221,018, T>G. VCF-style: chr17-7221018-T-G. GRCh37 (hg19) VCF-style: chr17-7124337-T-G.
Other names: c.371T>G, p.Val124Gly (NM_001033859.3); c.506T>G, p.Val169Gly (NM_001270447.2); c.209T>G, p.Val70Gly (NM_001270448.2); short protein forms V70G, V124G, V146G, V169G.
Identifiers: ClinVar variation 1458622 (VCV001458622.8), dbSNP rs2142969655, ClinGen allele CA397722902.

ClinVar aggregate classification (germline): Pathogenic (1 of 4 stars; one submission).

Conditions:
Very long chain acyl-CoA dehydrogenase deficiency (ACADVLD). Also called: VLCAD Deficiency; Very Long-Chain Acyl-Coenzyme A Dehydrogenase Deficiency. Identifiers: Orphanet 26793, MedGen C3887523, MONDO:0008723, OMIM 201475.

Submission:

Labcorp Genetics (formerly Invitae), Labcorp
Classification: Pathogenic for Very long chain acyl-CoA dehydrogenase deficiency. Last evaluated: 2021-01-19. Review status: criteria provided, single submitter. Criteria: Invitae Variant Classification Sherloc (09022015). Collection method: clinical testing. Allele origin: germline.
Comment: This sequence change replaces valine with glycine at codon 146 of the ACADVL protein (p.Val146Gly). The valine residue is highly conserved and there is a moderate physicochemical difference between valine and glycine. This variant is not present in population databases (ExAC no frequency). This variant has been observed in individual(s) with VLCAD deficiency (Invitae). In at least one individual the data is consistent with the variant being in trans (on the opposite chromosome) from a pathogenic variant. Advanced modeling of protein sequence and biophysical properties (such as structural, functional, and spatial information, amino acid conservation, physicochemical variation, residue mobility, and thermodynamic stability) performed at Invitae indicates that this missense variant is expected to disrupt ACADVL protein function. For these reasons, this variant has been classified as Pathogenic.